The following is an entry in ClinVar:

NM_001868.4(CPA1):c.49A>C (p.Lys17Gln)

Gene: CPA1 (carboxypeptidase A1; plus strand). Cytogenetic location: 7q32.2.
Variant type: single nucleotide variant.
Coding change: c.49A>C on transcript NM_001868.4 (MANE Select); coding-DNA position 49, A replaced by C.
Protein change: p.Lys17Gln; replaces lysine 17 with glutamine.
Molecular consequence: missense variant.
Genome position (GRCh38, 1-based): chr7:130,380,569, A>C. VCF-style: chr7-130380569-A-C. GRCh37 (hg19) VCF-style: chr7-130020410-A-C.
Other names: short protein forms K17Q.
Identifiers: ClinVar variation 2390059 (VCV002390059.2), dbSNP rs1796390954, ClinGen allele CA369279066.

ClinVar aggregate classification (germline): Uncertain significance (1 of 4 stars; one submission).

Conditions:
Hereditary pancreatitis (PCTT). Also called: PRSS1-Related Hereditary Pancreatitis; Hereditary chronic pancreatitis. Identifiers: Orphanet 676, MedGen C0238339, MONDO:0008185, OMIM 167800.

Allele frequency attached by ClinVar (database versions not stated): TOPMed 0.00001.

Submission:

Ambry Genetics
Classification: Uncertain significance for Hereditary pancreatitis. Last evaluated: 2023-10-08. Review status: criteria provided, single submitter. Criteria: Ambry Variant Classification Scheme 2023. Collection method: clinical testing. Allele origin: germline.
Comment: The p.K17Q variant (also known as c.49A>C), located in coding exon 1 of the CPA1 gene, results from an A to C substitution at nucleotide position 49. The lysine at codon 17 is replaced by glutamine, an amino acid with similar properties. This amino acid position is conserved. In addition, this alteration is predicted to be tolerated by in silico analysis. Since supporting evidence is limited at this time, the clinical significance of this alteration remains unclear.